The following is an entry in ClinVar:

ClinVar aggregate classification (germline): Uncertain significance (1 of 4 stars; one submission).

Submission:

GeneDx
Classification: Uncertain significance. Last evaluated: 2017-05-16. Review status: criteria provided, single submitter. Criteria: GeneDx Variant Classification (06012015). Collection method: clinical testing. Allele origin: germline. Affected: yes.
Comment: The R344G variant in the MFN2 gene has not been reported previously as a pathogenic variant, nor as a benign variant, to our knowledge. The R344G variant is not observed in large population cohorts (Lek et al., 2016; 1000 Genomes Consortium et al., 2015; Exome Variant Server). The R344G variant is a non-conservative amino acid substitution, which is likely to impact secondary protein structure as these residues differ in polarity, charge, size and/or other properties. This substitution occurs at a position that is conserved across species and is located in the cytoplasmic domain. In silico analysis predicts this variant is probably damaging to the protein structure/function. We interpret R344G as a variant of uncertain significance.

NM_014874.4(MFN2):c.1030A>G (p.Arg344Gly)

Gene: MFN2 (mitofusin 2; plus strand). Cytogenetic location: 1p36.22.
Variant type: single nucleotide variant.
Coding change: c.1030A>G on transcript NM_014874.4 (MANE Select); coding-DNA position 1030, A replaced by G.
Protein change: p.Arg344Gly; replaces arginine 344 with glycine.
Molecular consequence: missense variant.
Genome position (GRCh38, 1-based): chr1:12,001,828, A>G. VCF-style: chr1-12001828-A-G. GRCh37 (hg19) VCF-style: chr1-12061885-A-G.
Other names: c.1030A>G, p.Arg344Gly (NM_001127660.2); short protein forms R344G.
Identifiers: ClinVar variation 429869 (VCV000429869.2), dbSNP rs1131691642, ClinGen allele CA338442457.